The following is an entry in ClinVar:

NM_005908.4(MANBA):c.55G>A (p.Ala19Thr)

Genes: MANBA (mannosidase beta; minus strand), LOC129992886 (ATAC-STARR-seq lymphoblastoid active region 21757; plus strand). Cytogenetic location: 4q24.
Variant type: single nucleotide variant.
Coding change: c.55G>A on transcript NM_005908.4 (MANE Select); coding-DNA position 55, G replaced by A.
Protein change: p.Ala19Thr; replaces alanine 19 with threonine.
Molecular consequence: missense variant.
Genome position (GRCh38, 1-based): chr4:102,760,840, C>T on the plus strand (G>A on the coding strand, the complement: MANBA is on the minus strand). VCF-style: chr4-102760840-C-T. GRCh37 (hg19) VCF-style: chr4-103681997-C-T.
Other names: c.55G>A (NM_005908.3); short protein forms A19T.
Identifiers: ClinVar variation 1957738 (VCV001957738.3), dbSNP rs2477036599, ClinGen allele CA357961625.
Genomic context (GRCh38, chr4:102,760,840, plus strand): 5'-CCAGCGAGCCGTTCCCATTGCAGATGCTCCAGTTGCCACGCAAGCTGTAACTGAGCTCCG[C>T]GGCGGTGGTGCCTGCACCGCACAGCGCGAGCAGCAGGAGCAGGTGGAGGCGCATCTTGAG-3'
Protein context (NP_005899.3, residues 9-29): LALCGAGTTA[Ala19Thr]ELSYSLRGNW

ClinVar aggregate classification (germline): Uncertain significance. Review status: criteria provided, multiple submitters, no conflicts (2 of 4 stars). 2 submissions from 2 submitters: Uncertain significance (2). Last evaluated 2025-01-01.

Conditions:
Inborn genetic diseases. Identifiers: MedGen C0950123, MeSH D030342.
Beta-D-mannosidosis (MANSB). Also called: MANNOSIDOSIS, BETA A, LYSOSOMAL; BETA-MANNOSIDASE DEFICIENCY; LYSOSOMAL BETA-MANNOSIDASE DEFICIENCY; Beta-Mannosidosis. Identifiers: Orphanet 118, MedGen C4048196, MONDO:0009562, OMIM 248510.

Submissions (2):

Ambry Genetics
Classification: Uncertain significance for Inborn genetic diseases. Last evaluated: 2025-01-01. Review status: criteria provided, single submitter. Criteria: Ambry Variant Classification Scheme 2023. Collection method: clinical testing. Allele origin: germline.

Labcorp Genetics (formerly Invitae), Labcorp
Classification: Uncertain significance for Beta-D-mannosidosis. Last evaluated: 2022-06-04. Review status: criteria provided, single submitter. Criteria: Invitae Variant Classification Sherloc (09022015). Collection method: clinical testing. Allele origin: germline.
Comment: This sequence change replaces alanine, which is neutral and non-polar, with threonine, which is neutral and polar, at codon 19 of the MANBA protein (p.Ala19Thr). This variant is not present in population databases (gnomAD no frequency). This variant has not been reported in the literature in individuals affected with MANBA-related conditions. Algorithms developed to predict the effect of missense changes on protein structure and function are either unavailable or do not agree on the potential impact of this missense change (SIFT: "Tolerated"; PolyPhen-2: "Not Available"; Align-GVGD: "Class C0"). In summary, the available evidence is currently insufficient to determine the role of this variant in disease. Therefore, it has been classified as a Variant of Uncertain Significance.